The following is an entry in ClinVar:

NM_031924.8(RSPH3):c.-293C>G

Gene: RSPH3 (radial spoke head 3; minus strand). Cytogenetic location: 6q25.3.
Variant type: single nucleotide variant.
Coding change: c.-293C>G on transcript NM_031924.8 (MANE Select); 293 bases upstream of the start codon, C replaced by G.
Molecular consequence: 5 prime UTR variant. On other transcripts: missense variant (1), non-coding transcript variant (1).
Genome position (GRCh38, 1-based): chr6:158,999,843, G>C on the plus strand (C>G on the coding strand, the complement: RSPH3 is on the minus strand). VCF-style: chr6-158999843-G-C. GRCh37 (hg19) VCF-style: chr6-159420875-G-C.
Other names: c.134C>G, p.Pro45Arg (NM_001346418.1); short protein forms P45R.
Identifiers: ClinVar variation 1937577 (VCV001937577.5), dbSNP rs1281004707, ClinGen allele CA366285762.

ClinVar aggregate classification (germline): Uncertain significance (1 of 4 stars; one submission).

Conditions:
Primary ciliary dyskinesia 32. Also called: CILIARY DYSKINESIA, PRIMARY, 32, WITHOUT SITUS INVERSUS. Identifiers: Orphanet 244, MedGen C4225311, MONDO:0014657, OMIM 616481.

gnomAD v4.1: 11 of 1,613,938 alleles (0.00068%); highest among the groups gnomAD compares: Admixed American, 0.0017%; no homozygotes.

Submission:

Labcorp Genetics (formerly Invitae), Labcorp
Classification: Uncertain significance for Primary ciliary dyskinesia 32. Last evaluated: 2022-08-22. Review status: criteria provided, single submitter. Criteria: Invitae Variant Classification Sherloc (09022015). Collection method: clinical testing. Allele origin: germline.
Comment: This variant is present in population databases (no rsID available, gnomAD 0.003%). This sequence change replaces proline, which is neutral and non-polar, with arginine, which is basic and polar, at codon 45 of the RSPH3 protein (p.Pro45Arg). This variant has not been reported in the literature in individuals affected with RSPH3-related conditions. In summary, the available evidence is currently insufficient to determine the role of this variant in disease. Therefore, it has been classified as a Variant of Uncertain Significance. Algorithms developed to predict the effect of missense changes on protein structure and function are either unavailable or do not agree on the potential impact of this missense change (SIFT: "Deleterious"; PolyPhen-2: "Benign"; Align-GVGD: "Class C0").